The following is an entry in ClinVar:

NM_024306.5(FA2H):c.*821C>G

Gene: FA2H (fatty acid 2-hydroxylase; minus strand). Cytogenetic location: 16q23.1.
Variant type: single nucleotide variant.
Coding change: c.*821C>G on transcript NM_024306.5 (MANE Select); 821 bases downstream of the stop codon, C replaced by G.
Molecular consequence: 3 prime UTR variant.
Genome position (GRCh38, 1-based): chr16:74,713,369, G>C on the plus strand (C>G on the coding strand, the complement: FA2H is on the minus strand). VCF-style: chr16-74713369-G-C. GRCh37 (hg19) VCF-style: chr16-74747267-G-C.
Identifiers: ClinVar variation 320470 (VCV000320470.5), dbSNP rs573058036, ClinGen allele CA10648924.
Genomic context (GRCh38, chr16:74,713,369, plus strand): 5'-GAGGGTTTTGGTTACGAGGAGGAAGGGGCAGGAACCTCATCTGCGGAGGCTGGGAGGCAG[G>C]GGGAGGTGAGGCACTGAGAGGTGGCTCCTTCTGGGAGCGCCCGAGTAGGGGCCTGAGCGG-3'

ClinVar aggregate classification (germline): Likely benign (1 of 4 stars; one submission).

Conditions:
Hereditary spastic paraplegia 35. Also called: Spastic paraplegia 35; SPASTIC PARAPLEGIA 35, AUTOSOMAL RECESSIVE, WITH OR WITHOUT NEURODEGENERATION; LEUKODYSTROPHY, DYSMYELINATING, AND SPASTIC PARAPARESIS WITH OR WITHOUT DYSTONIA; Spastic paraplegia 35, autosomal recessive. Identifiers: Orphanet 171629, MedGen C3496228, MONDO:0012866, OMIM 612319.

Allele frequency attached by ClinVar (database versions not stated): 1000 Genomes Project 0.00140; TOPMed 0.00253; gnomAD 0.00275 and 0.00283.

Submission:

Illumina Laboratory Services, Illumina
Classification: Likely benign for Hereditary spastic paraplegia 35. Last evaluated: 2018-01-13. Review status: criteria provided, single submitter. Criteria: ICSL Variant Classification Criteria 13 December 2019. Collection method: clinical testing. Allele origin: germline.
Comment: This variant was observed in the ICSL laboratory as part of a predisposition screen in an ostensibly healthy population. It had not been previously curated by ICSL or reported in the Human Gene Mutation Database (HGMD: prior to June 1st, 2018), and was therefore a candidate for classification through an automated scoring system. Utilizing variant allele frequency, disease prevalence and penetrance estimates, and inheritance mode, an automated score was calculated to assess if this variant is too frequent to cause the disease. Based on the score and internal cut-off values, a variant classified as likely benign is not then subjected to further curation. The score for this variant resulted in a classification of likely benign for this disease.